The following is an entry in ClinVar:

ClinVar aggregate classification (germline): Pathogenic (1 of 4 stars; one submission).

Conditions:
Familial cancer of breast. Also called: BREAST CANCER, FAMILIAL; hereditary breast carcinoma; Hereditary breast cancer. Identifiers: Orphanet 227535, MedGen C0346153, MONDO:0016419, OMIM 114480. Disease mechanism: loss of function.

Submission:

Myriad Genetics, Inc.
Classification: Pathogenic for Familial cancer of breast. Last evaluated: 2023-05-04. Review status: criteria provided, single submitter. Criteria: Myriad Autosomal Dominant, Autosomal Recessive and X-Linked Classification Criteria (2023). Collection method: clinical testing. Allele origin: unknown.
Comment: This variant is considered pathogenic. This variant creates a frameshift predicted to result in premature protein truncation.

NM_000051.4(ATM):c.5508_5509delinsG (p.Asp1836fs)

Gene: ATM (ATM serine/threonine kinase; plus strand). Cytogenetic location: 11q22.3.
Variant type: Indel.
Coding change: c.5508_5509delinsG on transcript NM_000051.4 (MANE Select); coding-DNA positions 5508 to 5509, CT replaced by G.
Protein change: p.Asp1836fs; shifts the reading frame from aspartic acid 1836.
Molecular consequence: frameshift variant.
Genome position (GRCh38, 1-based): chr11:108,304,686-108,304,687, CT replaced by G. VCF-style: chr11-108304686-CT-G. GRCh37 (hg19) VCF-style: chr11-108175413-CT-G.
Other names: c.5508_5509delinsG, p.Asp1836fs (NM_001351834.2); short protein forms D1836fs.
Identifiers: ClinVar variation 2583815 (VCV002583815.2), dbSNP rs2546986797, ClinGen allele CA2582342483.
Genomic context (GRCh38, chr11:108,304,686, plus strand): 5'-TTACTCATTTTTACTCAAACTATTGGGTGGATTTGTTTGTATATTCTAGGTGAAAACTGA[CT>G]TTTGTCAGACTGTACTTCCATACTTGATTCATGATATTTTACTCCAAGATACAAATGAAT-3'